The following is an entry in ClinVar:

ClinVar aggregate classification (germline): Pathogenic (1 of 4 stars; one submission).

Conditions:
Inborn genetic diseases. Identifiers: MedGen C0950123, MeSH D030342.

gnomAD v4.1: 1 of 1,608,504 alleles (0.000062%); highest among the groups gnomAD compares: African/African-American, 0.0013%; no homozygotes.

Submission:

Ambry Genetics
Classification: Pathogenic for Inborn genetic diseases. Last evaluated: 2025-07-07. Review status: criteria provided, single submitter. Criteria: Ambry Variant Classification Scheme 2023. Collection method: clinical testing. Allele origin: germline.
Comment: The c.1487C>G (p.S496*) alteration, located in exon 12 (coding exon 11) of the CEP135 gene, consists of a C to G substitution at nucleotide position 1487. This changes the amino acid from a serine (S) to a stop codon at amino acid position 496. This alteration is expected to result in loss of function by premature protein truncation or nonsense-mediated mRNA decay. This variant was not reported in population-based cohorts in the Genome Aggregation Database (gnomAD). Based on the available evidence, this alteration is classified as pathogenic.

NM_025009.5(CEP135):c.1487C>G (p.Ser496Ter)

Gene: CEP135 (centrosomal protein 135; plus strand). Cytogenetic location: 4q12.
Variant type: single nucleotide variant.
Coding change: c.1487C>G on transcript NM_025009.5 (MANE Select); coding-DNA position 1487, C replaced by G.
Protein change: p.Ser496Ter; replaces serine 496 with a stop codon.
Molecular consequence: nonsense.
Genome position (GRCh38, 1-based): chr4:55,980,156, C>G. VCF-style: chr4-55980156-C-G. GRCh37 (hg19) VCF-style: chr4-56846322-C-G.
Other names: short protein forms S496*.
Identifiers: ClinVar variation 4225921 (VCV004225921.1).